The following is an entry in ClinVar:

ClinVar aggregate classification (germline): Uncertain significance. Review status: criteria provided, multiple submitters, no conflicts (2 of 4 stars). 3 submissions from 3 submitters: Uncertain significance (3). Last evaluated 2025-10-23.

Conditions:
Cardiovascular phenotype. Identifiers: MedGen CN230736.
Hypertrophic cardiomyopathy. Also called: HYPERTROPHIC MYOCARDIOPATHY. Identifiers: Orphanet 217569, MedGen C0007194, MeSH D002312, MONDO:0005045, HP:0001639.
Cardiomyopathy (CMYO). Also called: Cardiomyopathies. Identifiers: Orphanet 167848, MedGen C0878544, MONDO:0004994, HP:0001638. Inheritance: Various modes of inheritance.

Submissions (3):

Labcorp Genetics (formerly Invitae), Labcorp
Classification: Uncertain significance for Hypertrophic cardiomyopathy. Last evaluated: 2025-10-23. Review status: criteria provided, single submitter. Criteria: Invitae Variant Classification Sherloc (09022015). Collection method: clinical testing. Allele origin: germline.
Comment: This sequence change replaces asparagine, which is neutral and polar, with serine, which is neutral and polar, at codon 826 of the MYH7 protein (p.Asn826Ser). This variant is not present in population databases (gnomAD no frequency). This variant has not been reported in the literature in individuals affected with MYH7-related conditions. ClinVar contains an entry for this variant (Variation ID: 2089420). Invitae Evidence Modeling of protein sequence and biophysical properties (such as structural, functional, and spatial information, amino acid conservation, physicochemical variation, residue mobility, and thermodynamic stability) indicates that this missense variant is expected to disrupt MYH7 protein function with a positive predictive value of 95%. In summary, the available evidence is currently insufficient to determine the role of this variant in disease. Therefore, it has been classified as a Variant of Uncertain Significance.

Color Diagnostics, LLC DBA Color Health
Classification: Uncertain significance for Cardiomyopathy. Last evaluated: 2025-09-04. Review status: criteria provided, single submitter. Criteria: ACMG Guidelines, 2015. Collection method: clinical testing. Allele origin: germline.
Comment: This missense variant replaces asparagine with serine at codon 826 of the MYH7 protein. Computational prediction is inconclusive regarding the impact of this variant on protein structure and function. To our knowledge, functional studies have not been reported for this variant. This variant has not been reported in individuals affected with MYH7-related disorders in the literature. This variant has not been identified in the general population by the Genome Aggregation Database (gnomAD). The available evidence is insufficient to determine the role of this variant in disease conclusively. Therefore, this variant is classified as a Variant of Uncertain Significance.

Ambry Genetics
Classification: Uncertain significance for Cardiovascular phenotype. Last evaluated: 2025-01-06. Review status: criteria provided, single submitter. Criteria: Ambry Variant Classification Scheme 2023. Collection method: clinical testing. Allele origin: germline.
Comment: The p.N826S variant (also known as c.2477A>G), located in coding exon 20 of the MYH7 gene, results from an A to G substitution at nucleotide position 2477. The asparagine at codon 826 is replaced by serine, an amino acid with highly similar properties. This alteration is located in the myosin head domain, which contains a statistically significant clustering of pathogenic missense variants (Homburger JR et al. Proc Natl Acad Sci U S A, 2016 06;113:6701-6; Walsh R et al. Genet Med, 2017 02;19:192-203; Ambry internal data). This amino acid position is highly conserved in available vertebrate species. In addition, the in silico prediction for this alteration is inconclusive. Since supporting evidence is limited at this time, the clinical significance of this alteration remains unclear.

NM_000257.4(MYH7):c.2477A>G (p.Asn826Ser)

Genes: MYH7 (myosin heavy chain 7; minus strand), LOC126861898 (BRD4-independent group 4 enhancer GRCh37_chr14:23893609-23894808; plus strand). Cytogenetic location: 14q11.2.
Variant type: single nucleotide variant.
Coding change: c.2477A>G on transcript NM_000257.4 (MANE Select); coding-DNA position 2477, A replaced by G.
Protein change: p.Asn826Ser; replaces asparagine 826 with serine.
Molecular consequence: missense variant.
Genome position (GRCh38, 1-based): chr14:23,424,971, T>C on the plus strand (A>G on the coding strand, the complement: MYH7 is on the minus strand). VCF-style: chr14-23424971-T-C. GRCh37 (hg19) VCF-style: chr14-23894180-T-C.
Other names: c.2477A>G, p.Asn826Ser (NM_001407004.1); short protein forms N826S.
Identifiers: ClinVar variation 2089420 (VCV002089420.7), dbSNP rs2138666130, ClinGen allele CA389048332.
Genomic context (GRCh38, chr14:23,424,971, plus strand): 5'-TCTCTTTCTGCACTCTTCAGCAGCGGCTTGATCTTGAAGTAGAGCTTCATCCAGGGCCAA[T>C]TCTTGACCCCCATGAAGGCCCGAATGTTCCACTGGATTACCAGCAGGGAGTCTCTGCAGG-3'
Protein context (NP_000248.2, residues 816-836): WNIRAFMGVK[Asn826Ser]WPWMKLYFKI